The following is an entry in ClinVar:

ClinVar aggregate classification (germline): Uncertain significance (1 of 4 stars; one submission).

Submission:

Ambry Genetics
Classification: Uncertain significance. Last evaluated: 2025-10-12. Review status: criteria provided, single submitter. Criteria: Ambry Variant Classification Scheme 2023. Collection method: clinical testing. Allele origin: germline.
Comment: The p.Y443F variant (also known as c.1328A>T), located in coding exon 1 of the MLH3 gene, results from an A to T substitution at nucleotide position 1328. The tyrosine at codon 443 is replaced by phenylalanine, an amino acid with highly similar properties. This amino acid position is conserved. In addition, this alteration is predicted to be tolerated by in silico analysis. Based on the available evidence, the clinical significance of this variant remains unclear.

NM_001040108.2(MLH3):c.1328A>T (p.Tyr443Phe)

Gene: MLH3 (mutL homolog 3; minus strand). Cytogenetic location: 14q24.3.
Variant type: single nucleotide variant.
Coding change: c.1328A>T on transcript NM_001040108.2 (MANE Select); coding-DNA position 1328, A replaced by T.
Protein change: p.Tyr443Phe; replaces tyrosine 443 with phenylalanine.
Molecular consequence: missense variant.
Genome position (GRCh38, 1-based): chr14:75,048,328, T>A on the plus strand (A>T on the coding strand, the complement: MLH3 is on the minus strand). VCF-style: chr14-75048328-T-A. GRCh37 (hg19) VCF-style: chr14-75515031-T-A.
Other names: c.1328A>T, p.Tyr443Phe (NM_014381.3); short protein forms Y443F.
Identifiers: ClinVar variation 4552089 (VCV004552089.1).